The following is an entry in ClinVar:

ClinVar aggregate classification (germline): Uncertain significance (1 of 4 stars; one submission).

Conditions:
Epidermolysis bullosa simplex 3, localized or generalized intermediate, with BP230 deficiency (EBS3). Also called: Epidermolysis bullosa simplex due to BP230 deficiency; Epidermolysis bullosa simplex, autosomal recessive 2. Identifiers: Orphanet 412181, MedGen C3809470, MONDO:0014180, OMIM 615425.
Hereditary sensory and autonomic neuropathy type 6. Also called: HSAN VI; Neuropathy, hereditary sensory and autonomic, type VI. Identifiers: Orphanet 314381, MedGen C3539003, MONDO:0013839, OMIM 614653.

Allele frequency attached by ClinVar (database versions not stated): gnomAD exomes below 0.00001; gnomAD 0.00001.
gnomAD v4.1: 2 of 1,613,852 alleles (0.00012%); highest among the groups gnomAD compares: Non-Finnish European, 0.000085%; no homozygotes.

Submission:

Labcorp Genetics (formerly Invitae), Labcorp
Classification: Uncertain significance for Epidermolysis bullosa simplex 3, localized or generalized intermediate, with BP230 deficiency; Hereditary sensory and autonomic neuropathy type 6. Last evaluated: 2022-07-25. Review status: criteria provided, single submitter. Criteria: Invitae Variant Classification Sherloc (09022015). Collection method: clinical testing. Allele origin: germline.
Comment: In summary, the available evidence is currently insufficient to determine the role of this variant in disease. Therefore, it has been classified as a Variant of Uncertain Significance. Experimental studies and prediction algorithms are not available or were not evaluated, and the functional significance of this variant is currently unknown. This variant has not been reported in the literature in individuals affected with DST-related conditions. This variant is not present in population databases (gnomAD no frequency). This sequence change replaces methionine, which is neutral and non-polar, with valine, which is neutral and non-polar, at codon 3745 of the DST protein (p.Met3745Val). The DST gene has multiple clinically relevant transcripts. This variant occurs in alternate transcript NM_015548.4, and corresponds to NM_001723.5:c.*106851A>G in the primary transcript.

NM_001374736.1(DST):c.19102A>G (p.Met6368Val)

Gene: DST (dystonin; minus strand). Cytogenetic location: 6p12.1.
Variant type: single nucleotide variant.
Coding change: c.19102A>G on transcript NM_001374736.1 (MANE Select); coding-DNA position 19102, A replaced by G.
Protein change: p.Met6368Val; replaces methionine 6368 with valine.
Molecular consequence: missense variant.
Genome position (GRCh38, 1-based): chr6:56,508,666, T>C on the plus strand (A>G on the coding strand, the complement: DST is on the minus strand). VCF-style: chr6-56508666-T-C. GRCh37 (hg19) VCF-style: chr6-56373464-T-C.
Other names: c.12745A>G, p.Met4249Val (NM_001144769.5); c.12331A>G, p.Met4111Val (NM_001144770.2); c.19102A>G, p.Met6368Val (NM_001374722.1); c.18142A>G, p.Met6048Val (NM_001374729.1); c.11884A>G, p.Met3962Val (NM_001374730.1); c.19129A>G, p.Met6377Val (NM_001374734.1); c.12211A>G, p.Met4071Val (NM_001386100.1, NM_183380.4); c.11233A>G, p.Met3745Val (NM_015548.5); short protein forms M3745V, M6368V, M3962V, M4071V, M4249V, M6377V, M4111V, M6048V.
Identifiers: ClinVar variation 1351369 (VCV001351369.6), dbSNP rs777687282, ClinGen allele CA364523626.